The following is an entry in ClinVar:

ClinVar aggregate classification (germline): Uncertain significance. Review status: criteria provided, multiple submitters, no conflicts (2 of 4 stars). 2 submissions from 2 submitters: Uncertain significance (2). Last evaluated 2025-11-10.

Conditions:
Autosomal dominant limb-girdle muscular dystrophy type 1F (LGMDD2). Also called: Limb-girdle muscular dystrophy, type 1F; MUSCULAR DYSTROPHY, LIMB-GIRDLE, AUTOSOMAL DOMINANT 2. Identifiers: Orphanet 55595, MedGen C1842062, MONDO:0012034, OMIM 608423.

Allele frequency attached by ClinVar (database versions not stated): ExAC 0.00001; gnomAD exomes 0.00001; gnomAD 0.00003 and 0.00004; TOPMed 0.00004.
gnomAD v4.1: 65 of 1,614,044 alleles (0.004%); highest among the groups gnomAD compares: Non-Finnish European, 0.0053%; no homozygotes.

Submissions (2):

Labcorp Genetics (formerly Invitae), Labcorp
Classification: Uncertain significance for Autosomal dominant limb-girdle muscular dystrophy type 1F. Last evaluated: 2025-11-10. Review status: criteria provided, single submitter. Criteria: Invitae Variant Classification Sherloc (09022015). Collection method: clinical testing. Allele origin: germline.
Comment: This sequence change replaces arginine, which is basic and polar, with cysteine, which is neutral and slightly polar, at codon 468 of the TNPO3 protein (p.Arg468Cys). This variant is present in population databases (rs781140128, gnomAD 0.01%). This variant has not been reported in the literature in individuals affected with TNPO3-related conditions. ClinVar contains an entry for this variant (Variation ID: 533433). Invitae Evidence Modeling of protein sequence and biophysical properties (such as structural, functional, and spatial information, amino acid conservation, physicochemical variation, residue mobility, and thermodynamic stability) indicates that this missense variant is not expected to disrupt TNPO3 protein function with a negative predictive value of 80%. In summary, the available evidence is currently insufficient to determine the role of this variant in disease. Therefore, it has been classified as a Variant of Uncertain Significance.

Revvity Omics, Revvity
Classification: Uncertain significance for Autosomal dominant limb-girdle muscular dystrophy type 1F. Last evaluated: 2019-07-19. Review status: criteria provided, single submitter. Criteria: ACMG Guidelines, 2015. Collection method: clinical testing. Allele origin: germline.

NM_012470.4(TNPO3):c.1402C>T (p.Arg468Cys)

Gene: TNPO3 (transportin 3; minus strand). Cytogenetic location: 7q32.1.
Variant type: single nucleotide variant.
Coding change: c.1402C>T on transcript NM_012470.4 (MANE Select); coding-DNA position 1402, C replaced by T.
Protein change: p.Arg468Cys; replaces arginine 468 with cysteine.
Molecular consequence: missense variant. On other transcripts: non-coding transcript variant (18).
Genome position (GRCh38, 1-based): chr7:128,990,057, G>A on the plus strand (C>T on the coding strand, the complement: TNPO3 is on the minus strand). VCF-style: chr7-128990057-G-A. GRCh37 (hg19) VCF-style: chr7-128630111-G-A.
Other names: c.1402C>T, p.Arg468Cys (NM_001191028.3, NM_001382218.1, NM_001382220.1 and 1 more transcripts); c.1504C>T, p.Arg502Cys (NM_001382216.1); c.1483C>T, p.Arg495Cys (NM_001382217.1); c.1294C>T, p.Arg432Cys (NM_001382219.1); c.1258C>T, p.Arg420Cys (NM_001382221.1); c.1255C>T, p.Arg419Cys (NM_001382222.1); short protein forms R468C, R419C, R420C, R432C, R495C, R502C.
Identifiers: ClinVar variation 533433 (VCV000533433.13), dbSNP rs781140128, ClinGen allele CA4478140.